The following is an entry in ClinVar:

ClinVar aggregate classification (germline): Conflicting classifications of pathogenicity. Review status: criteria provided, conflicting classifications (1 of 4 stars). 5 submissions from 5 submitters: Uncertain significance (4); Likely benign (1). Last evaluated 2024-09-27.

Conditions:
Alagille syndrome due to a NOTCH2 point mutation. Also called: Alagille syndrome 2. Identifiers: Orphanet 261629, Orphanet 52, MedGen C1857761, MONDO:0012439, OMIM 610205.
Hajdu-Cheney syndrome (HJCYS). Also called: ACROOSTEOLYSIS WITH OSTEOPOROSIS AND CHANGES IN SKULL AND MANDIBLE; Acroosteolysis dominant type; SERPENTINE FIBULA-POLYCYSTIC KIDNEY SYNDROME. Identifiers: Orphanet 955, MedGen C0917715, MONDO:0007057, OMIM 102500.

Allele frequency attached by ClinVar (database versions not stated): ExAC 0.00001; gnomAD 0.00001 and 0.00002; gnomAD exomes 0.00001; TOPMed 0.00003.
gnomAD v4.1: 24 of 1,614,024 alleles (0.0015%); highest among the groups gnomAD compares: Middle Eastern, 0.23%; no homozygotes.

Submissions (5):

Blueprint Genetics
Classification: Likely benign. Last evaluated: 2024-09-27. Review status: criteria provided, single submitter. Criteria: ACMG Guidelines, 2015. Collection method: clinical testing. Allele origin: germline.

Fulgent Genetics
Classification: Uncertain significance for Hajdu-Cheney syndrome; Alagille syndrome due to a NOTCH2 point mutation. Last evaluated: 2021-12-23. Review status: criteria provided, single submitter. Criteria: ACMG Guidelines, 2015. Collection method: clinical testing. Allele origin: unknown.

Baylor Genetics
Classification: Uncertain significance for Alagille syndrome due to a NOTCH2 point mutation. Last evaluated: 2019-09-13. Review status: criteria provided, single submitter. Criteria: ACMG Guidelines, 2015. Collection method: clinical testing. Allele origin: unknown. Affected: yes.
Comment: This variant was determined to be of uncertain significance according to ACMG Guidelines, 2015 [PMID:25741868].

Revvity Omics, Revvity
Classification: Uncertain significance. Last evaluated: 2019-07-31. Review status: criteria provided, single submitter. Criteria: ACMG Guidelines, 2015. Collection method: clinical testing. Allele origin: germline.

Breakthrough Genomics
Classification: Uncertain significance. Review status: criteria provided, single submitter. Criteria: ACMG Guidelines, 2015. Collection method: not provided. Allele origin: germline. Inheritance: Autosomal dominant inheritance. Affected: yes.

NM_024408.4(NOTCH2):c.686C>A (p.Pro229His)

Gene: NOTCH2 (notch receptor 2; minus strand). Cytogenetic location: 1p12.
Variant type: single nucleotide variant.
Coding change: c.686C>A on transcript NM_024408.4 (MANE Select); coding-DNA position 686, C replaced by A.
Protein change: p.Pro229His; replaces proline 229 with histidine.
Molecular consequence: missense variant.
Genome position (GRCh38, 1-based): chr1:119,997,062, G>T on the plus strand (C>A on the coding strand, the complement: NOTCH2 is on the minus strand). VCF-style: chr1-119997062-G-T. GRCh37 (hg19) VCF-style: chr1-120539685-G-T.
Other names: c.686C>A, p.Pro229His (NM_001200001.2); short protein forms P229H.
Identifiers: ClinVar variation 1028814 (VCV001028814.7), dbSNP rs781850215, ClinGen allele CA1040788.